The following is an entry in ClinVar:

ClinVar aggregate classification (germline): Uncertain significance. Review status: criteria provided, multiple submitters, no conflicts (2 of 4 stars). 2 submissions from 2 submitters: Uncertain significance (2). Last evaluated 2023-01-28.

Conditions:
Hereditary cancer-predisposing syndrome. Also called: Neoplastic Syndromes, Hereditary; Tumor predisposition; Hereditary neoplastic syndrome; Hereditary Cancer Syndrome. Identifiers: Orphanet 140162, MedGen C0027672, MeSH D009386, MONDO:0015356.

Submissions (2):

Labcorp Genetics (formerly Invitae), Labcorp
Classification: Uncertain significance for Hereditary cancer-predisposing syndrome. Last evaluated: 2023-01-28. Review status: criteria provided, single submitter. Criteria: Invitae Variant Classification Sherloc (09022015). Collection method: clinical testing. Allele origin: germline.
Comment: This sequence change replaces lysine, which is basic and polar, with glutamic acid, which is acidic and polar, at codon 267 of the RAD50 protein (p.Lys267Glu). This variant is not present in population databases (gnomAD no frequency). This variant has not been reported in the literature in individuals affected with RAD50-related conditions. ClinVar contains an entry for this variant (Variation ID: 579042). Advanced modeling of protein sequence and biophysical properties (such as structural, functional, and spatial information, amino acid conservation, physicochemical variation, residue mobility, and thermodynamic stability) performed at Invitae indicates that this missense variant is not expected to disrupt RAD50 protein function. In summary, the available evidence is currently insufficient to determine the role of this variant in disease. Therefore, it has been classified as a Variant of Uncertain Significance.

Ambry Genetics
Classification: Uncertain significance for Hereditary cancer-predisposing syndrome. Last evaluated: 2022-04-27. Review status: criteria provided, single submitter. Criteria: Ambry Variant Classification Scheme 2023. Collection method: clinical testing. Allele origin: germline.
Comment: The p.K267E variant (also known as c.799A>G), located in coding exon 6 of the RAD50 gene, results from an A to G substitution at nucleotide position 799. The lysine at codon 267 is replaced by glutamic acid, an amino acid with similar properties. This amino acid position is poorly conserved in available vertebrate species. In addition, this alteration is predicted to be tolerated by in silico analysis. Since supporting evidence is limited at this time, the clinical significance of this alteration remains unclear.

NM_005732.4(RAD50):c.799A>G (p.Lys267Glu)

Gene: RAD50 (RAD50 double strand break repair protein; plus strand). Cytogenetic location: 5q31.1.
Variant type: single nucleotide variant.
Coding change: c.799A>G on transcript NM_005732.4 (MANE Select); coding-DNA position 799, A replaced by G.
Protein change: p.Lys267Glu; replaces lysine 267 with glutamic acid.
Molecular consequence: missense variant.
Genome position (GRCh38, 1-based): chr5:132,587,604, A>G. VCF-style: chr5-132587604-A-G. GRCh37 (hg19) VCF-style: chr5-131923296-A-G.
Other names: short protein forms K267E.
Identifiers: ClinVar variation 579042 (VCV000579042.11), dbSNP rs1561638939, ClinGen allele CA360940143.